The following is an entry in ClinVar:

ClinVar aggregate classification (germline): Conflicting classifications of pathogenicity. Review status: criteria provided, conflicting classifications (1 of 4 stars). 2 submissions from 2 submitters: Likely pathogenic (1); Uncertain significance (1). Last evaluated 2023-05-20.

Conditions:
Familial juvenile hyperuricemic nephropathy type 1 (ADTKD1). Also called: Uromodulin-associated kidney disease; Autosomal Dominant Tubulointerstitial Kidney Disease – UMOD; UMOD-Associated Kidney Disease; Glomerulocystic kidney disease with hyperuricemia and isosthenuria; Medullary cystic kidney disease 2. Identifiers: Orphanet 209886, Orphanet 34149, Orphanet 88950, MedGen C4551496, MONDO:0008073, OMIM 162000.

Submissions (2):

Neuberg Centre For Genomic Medicine, NCGM
Classification: Uncertain significance for Familial juvenile hyperuricemic nephropathy type 1. Last evaluated: 2023-05-20. Review status: criteria provided, single submitter. Criteria: ACMG Guidelines, 2015. Collection method: clinical testing. Allele origin: germline. Inheritance: Autosomal dominant inheritance. Affected: yes.
Comment: The observed missense c.263G>A (p.Gly88Asp) variant in UMOD gene has been reported in an individual affected with renal disease (Yildiz et al., 2018). This variant is absent in the gnomAD Exomes. This variant has been submitted to the ClinVar database as Likely Pathogenic. Multiple lines of computational evidence (Polyphen - Probably Damaging, SIFT - Damaging and MutationTaster - Disease causing) predict a damaging effect on protein structure and function for this variant. The amino acid change p.Gly88Asp in UMOD is predicted as conserved by GERP++ and PhyloP across 100 vertebrates. The amino acid Gly at position 88 is changed to a Asp changing protein sequence and it might alter its composition and physico-chemical properties. However, additional functional studies will be required to prove the pathogenicity of this variant. For these reasons, this variant has been classified as a Variant of Uncertain Significance (VUS).

Mendelics
Classification: Likely pathogenic for Familial juvenile hyperuricemic nephropathy type 1. Last evaluated: 2022-05-04. Review status: criteria provided, single submitter. Criteria: Mendelics Assertion Criteria 2019. Collection method: clinical testing. Allele origin: germline.

NM_003361.4(UMOD):c.263G>A (p.Gly88Asp)

Gene: UMOD (uromodulin; minus strand). Cytogenetic location: 16p12.3.
Variant type: single nucleotide variant.
Coding change: c.263G>A on transcript NM_003361.4 (MANE Select); coding-DNA position 263, G replaced by A.
Protein change: p.Gly88Asp; replaces glycine 88 with aspartic acid.
Molecular consequence: missense variant. On other transcripts: non-coding transcript variant (1).
Genome position (GRCh38, 1-based): chr16:20,349,038, C>T on the plus strand (G>A on the coding strand, the complement: UMOD is on the minus strand). VCF-style: chr16-20349038-C-T. GRCh37 (hg19) VCF-style: chr16-20360360-C-T.
Other names: c.263G>A, p.Gly88Asp (NM_001008389.3, NM_001378232.1, NM_001378233.1 and 3 more transcripts); c.362G>A, p.Gly121Asp (NM_001278614.2); short protein forms G121D, G88D.
Identifiers: ClinVar variation 1685471 (VCV001685471.4), dbSNP rs2141676609, ClinGen allele CA394986944.